The following is an entry in ClinVar:

ClinVar aggregate classification (germline): Pathogenic/Likely pathogenic. Review status: criteria provided, multiple submitters, no conflicts (2 of 4 stars). 2 submissions from 2 submitters: Pathogenic (1); Likely pathogenic (1). Last evaluated 2026-01-30.

Conditions:
ITGB3-related disorder. Also called: ITGB3-related condition.

Submissions (2):

Labcorp Genetics (formerly Invitae), Labcorp
Classification: Pathogenic. Last evaluated: 2026-01-30. Review status: criteria provided, single submitter. Criteria: Invitae Variant Classification Sherloc (09022015). Collection method: clinical testing. Allele origin: germline.
Comment: This sequence change creates a premature translational stop signal (p.Asp243Cysfs*7) in the ITGB3 gene. It is expected to result in an absent or disrupted protein product. Loss-of-function variants in ITGB3 are known to be pathogenic (PMID: 21917754). This variant is not present in population databases (gnomAD no frequency). This variant has not been reported in the literature in individuals affected with ITGB3-related conditions. Algorithms developed to predict the effect of sequence changes on RNA splicing suggest that this variant may disrupt the consensus splice site. For these reasons, this variant has been classified as Pathogenic.

PreventionGenetics, part of Exact Sciences
Classification: Likely pathogenic for ITGB3-related condition. Last evaluated: 2025-12-15. Review status: criteria provided, single submitter. Criteria: ACMG Guidelines, 2015. Collection method: clinical testing. Allele origin: germline.
Comment: The ITGB3 c.727_728delGA variant is predicted to result in a frameshift and premature protein termination (p.Asp243Cysfs*7). To our knowledge, this variant has not been reported in the literature or in a large population database (gnomAD), indicating this variant is rare. Frameshift variants in ITGB3 are expected to be pathogenic. This variant is interpreted as likely pathogenic.

Literature cited by the submitters: PubMed 21917754 (cited by Labcorp Genetics (formerly Invitae), Labcorp).

NM_000212.3(ITGB3):c.727_728del (p.Asp243fs)

Gene: ITGB3 (integrin subunit beta 3; plus strand). Cytogenetic location: 17q21.32.
Variant type: Microsatellite.
Coding change: c.727_728del on transcript NM_000212.3 (MANE Select); coding-DNA positions 727 to 728, 2 bases deleted (GA; older notation c.727_728delGA).
Protein change: p.Asp243fs; shifts the reading frame from aspartic acid 243.
Molecular consequence: frameshift variant.
Genome position (GRCh38, 1-based): chr17:47,286,372-47,286,373, GA deleted; deleting any 2 consecutive bases within chr17:47,286,370-47,286,373 gives the same sequence; the c. name uses the placement nearest the transcript's 3' end. VCF-style (leftmost placement, unchanged base first): chr17-47286369-CGA-C. GRCh37 (hg19) VCF-style: chr17-45363735-CGA-C.
Other names: c.727_728delGA (NM_000212.2); c.725_726GA[1], p.Asp243Cysfs (NM_000212.2); short protein forms D243fs.
Identifiers: ClinVar variation 4768198 (VCV004768198.2).